The following is an entry in ClinVar:

NM_000038.6(APC):c.817A>G (p.Thr273Ala)

Gene: APC (APC regulator of Wnt signaling pathway; plus strand). Cytogenetic location: 5q22.2.
Variant type: single nucleotide variant.
Coding change: c.817A>G on transcript NM_000038.6 (MANE Select); coding-DNA position 817, A replaced by G.
Protein change: p.Thr273Ala; replaces threonine 273 with alanine.
Molecular consequence: missense variant. On other transcripts: 5 prime UTR variant (1).
Genome position (GRCh38, 1-based): chr5:112,801,366, A>G. VCF-style: chr5-112801366-A-G. GRCh37 (hg19) VCF-style: chr5-112137063-A-G.
Other names: c.817A>G, p.Thr273Ala (NM_001127510.3, NM_001354895.2, NM_001354896.2 and 1 more transcripts); c.763A>G, p.Thr255Ala (NM_001127511.3); c.847A>G, p.Thr283Ala (NM_001354897.2, NM_001354902.2); c.742A>G, p.Thr248Ala (NM_001354898.2, NM_001354904.2); c.733A>G, p.Thr245Ala (NM_001354899.2); c.640A>G, p.Thr214Ala (NM_001354900.2, NM_001354901.2, NM_001354905.2); c.-219A>G (NM_001354906.2); short protein forms T255A, T273A, T245A, T214A, T248A, T283A.
Identifiers: ClinVar variation 572183 (VCV000572183.16), dbSNP rs770768719, ClinGen allele CA050094.

ClinVar aggregate classification (germline): Uncertain significance. Review status: criteria provided, multiple submitters, no conflicts (2 of 4 stars). 5 submissions from 5 submitters: Uncertain significance (5). Last evaluated 2026-02-02.

Conditions:
Familial adenomatous polyposis 1 (FAP1). Also called: POLYPOSIS, ADENOMATOUS INTESTINAL; FAMILIAL ADENOMATOUS POLYPOSIS 1, ATTENUATED. Identifiers: MedGen C2713442, MONDO:0021056, OMIM 175100. Disease mechanism: loss of function.
Hereditary cancer-predisposing syndrome. Also called: Hereditary neoplastic syndrome; Tumor predisposition; Neoplastic Syndromes, Hereditary; Hereditary Cancer Syndrome. Identifiers: Orphanet 140162, MedGen C0027672, MeSH D009386, MONDO:0015356.

Allele frequency attached by ClinVar (database versions not stated): gnomAD exomes below 0.00001 and 0.00001; TOPMed below 0.00001; ExAC 0.00001.
gnomAD v4.1: 3 of 1,609,958 alleles (0.00019%); highest among the groups gnomAD compares: Admixed American, 0.0033%; no homozygotes.

Submissions (5):

Labcorp Genetics (formerly Invitae), Labcorp
Classification: Uncertain significance for Familial adenomatous polyposis 1. Last evaluated: 2026-02-02. Review status: criteria provided, single submitter. Criteria: Invitae Variant Classification Sherloc (09022015). Collection method: clinical testing. Allele origin: germline.
Comment: This sequence change replaces threonine, which is neutral and polar, with alanine, which is neutral and non-polar, at codon 273 of the APC protein (p.Thr273Ala). This variant is present in population databases (rs770768719, gnomAD 0.006%). This variant has not been reported in the literature in individuals affected with APC-related conditions. ClinVar contains an entry for this variant (Variation ID: 572183). Invitae Evidence Modeling of protein sequence and biophysical properties (such as structural, functional, and spatial information, amino acid conservation, physicochemical variation, residue mobility, and thermodynamic stability) indicates that this missense variant is not expected to disrupt APC protein function with a negative predictive value of 95%. In summary, the available evidence is currently insufficient to determine the role of this variant in disease. Therefore, it has been classified as a Variant of Uncertain Significance.

Ambry Genetics
Classification: Uncertain significance for Hereditary cancer-predisposing syndrome. Last evaluated: 2024-12-04. Review status: criteria provided, single submitter. Criteria: Ambry Variant Classification Scheme 2023. Collection method: clinical testing. Allele origin: germline.
Comment: The p.T273A variant (also known as c.817A>G), located in coding exon 7 of the APC gene, results from an A to G substitution at nucleotide position 817. The threonine at codon 273 is replaced by alanine, an amino acid with similar properties. This amino acid position is not well conserved in available vertebrate species. Missense alterations in APC are not a common cause of disease (Spier I et al. Genet Med. 2024 Feb;26(2):100992). In addition, in silico predictors for this gene do not accurately predict pathogenicity. Since supporting evidence is limited at this time, the clinical significance of this alteration remains unclear.

Institute for Genomic Medicine (IGM) Clinical Laboratory, Nationwide Children's Hospital
Classification: Uncertain significance for Familial adenomatous polyposis 1. Last evaluated: 2024-03-28. Review status: criteria provided, single submitter. Criteria: ACMG Guidelines, 2015. Collection method: clinical testing. Allele origin: germline.
Comment: This variant is absent from or present at an exceedingly low frequency in gnomAD, a large-scale control population database (ACMG/AMP: PM2). This variant results in a missense alteration in a gene for which primarily truncating variants are known to cause disease (ACMG/AMP: BP1).

Color Diagnostics, LLC DBA Color Health
Classification: Uncertain significance for Hereditary cancer-predisposing syndrome. Last evaluated: 2024-03-06. Review status: criteria provided, single submitter. Criteria: ACMG Guidelines, 2015. Collection method: clinical testing. Allele origin: germline.
Comment: This missense variant replaces threonine with alanine at codon 273 of the APC protein. Computational prediction suggests that this variant may not impact protein structure and function (internally defined REVEL score threshold <= 0.5, PMID: 27666373). To our knowledge, functional studies have not been reported for this variant. This variant has not been reported in individuals affected with hereditary cancer in the literature. This variant has been identified in 2/250928 chromosomes in the general population by the Genome Aggregation Database (gnomAD). The available evidence is insufficient to determine the role of this variant in disease conclusively. Therefore, this variant is classified as a Variant of Uncertain Significance.

Sema4
Classification: Uncertain significance for Hereditary cancer-predisposing syndrome. Last evaluated: 2021-04-30. Review status: criteria provided, single submitter. Criteria: Sema4 Curation Guidelines. Collection method: curation. Allele origin: germline.
Comment: The APC c.817A>G (p.T273A) variant has not been reported in the literature to our knowledge. It was observed in 2/34482 chromosomes of the Latino subpopulation in the large and broad cohorts of the Genome Aggregation Database (PMID: 32461654). This variant has been reported in ClinVar (Variation ID 572183). In silico tools suggest the impact of the variant on protein function is inconclusive, though these predictions have not been confirmed by functional studies. The evidence is insufficient to meet ACMG/AMP criteria for classifying the variant as benign or pathogenic. Thus, the clinical significance of this variant is currently uncertain.